The following is an entry in ClinVar:

NM_000051.4(ATM):c.3341A>T (p.Lys1114Met)

Gene: ATM (ATM serine/threonine kinase; plus strand). Cytogenetic location: 11q22.3.
Variant type: single nucleotide variant.
Coding change: c.3341A>T on transcript NM_000051.4 (MANE Select); coding-DNA position 3341, A replaced by T.
Protein change: p.Lys1114Met; replaces lysine 1114 with methionine.
Molecular consequence: missense variant.
Genome position (GRCh38, 1-based): chr11:108,279,547, A>T. VCF-style: chr11-108279547-A-T. GRCh37 (hg19) VCF-style: chr11-108150274-A-T.
Other names: c.3341A>T, p.Lys1114Met (NM_001351834.2); short protein forms K1114M.
Identifiers: ClinVar variation 655402 (VCV000655402.14), dbSNP rs777705500, ClinGen allele CA382517602.

ClinVar aggregate classification (germline): Uncertain significance. Review status: criteria provided, multiple submitters, no conflicts (2 of 4 stars). 4 submissions from 4 submitters: Uncertain significance (4). Last evaluated 2025-05-14.

Conditions:
Familial cancer of breast. Also called: hereditary breast carcinoma; Hereditary breast cancer; BREAST CANCER, FAMILIAL. Identifiers: Orphanet 227535, MedGen C0346153, MONDO:0016419, OMIM 114480. Disease mechanism: loss of function.
Hereditary cancer-predisposing syndrome. Also called: Neoplastic Syndromes, Hereditary; Hereditary neoplastic syndrome; Hereditary Cancer Syndrome; Tumor predisposition. Identifiers: Orphanet 140162, MedGen C0027672, MeSH D009386, MONDO:0015356.
Ataxia-telangiectasia syndrome (AT). Also called: ATAXIA-TELANGIECTASIA, FRESNO VARIANT; Ataxia-telangiectasia, complementation group D; Cerebello-oculocutaneous telangiectasia; Immunodeficiency with ataxia telangiectasia; Ataxia-telangiectasia; Ataxia telangiectasia (A-T). Identifiers: Orphanet 100, MedGen C0004135, MONDO:0008840, OMIM 208900.

Allele frequency attached by ClinVar (database versions not stated): gnomAD exomes 0.00001.
gnomAD v4.1: 14 of 1,613,870 alleles (0.00087%); highest among the groups gnomAD compares: Non-Finnish European, 0.0012%; no homozygotes.

Submissions (4):

Labcorp Genetics (formerly Invitae), Labcorp
Classification: Uncertain significance for Ataxia-telangiectasia syndrome. Last evaluated: 2025-05-14. Review status: criteria provided, single submitter. Criteria: Invitae Variant Classification Sherloc (09022015). Collection method: clinical testing. Allele origin: germline.
Comment: This sequence change replaces lysine, which is basic and polar, with methionine, which is neutral and non-polar, at codon 1114 of the ATM protein (p.Lys1114Met). This variant is present in population databases (no rsID available, gnomAD 0.002%). This variant has not been reported in the literature in individuals affected with ATM-related conditions. ClinVar contains an entry for this variant (Variation ID: 655402). Invitae Evidence Modeling of protein sequence and biophysical properties (such as structural, functional, and spatial information, amino acid conservation, physicochemical variation, residue mobility, and thermodynamic stability) indicates that this missense variant is not expected to disrupt ATM protein function with a negative predictive value of 95%. In summary, the available evidence is currently insufficient to determine the role of this variant in disease. Therefore, it has been classified as a Variant of Uncertain Significance.

Ambry Genetics
Classification: Uncertain significance for Hereditary cancer-predisposing syndrome. Last evaluated: 2024-10-03. Review status: criteria provided, single submitter. Criteria: Ambry Variant Classification Scheme 2023. Collection method: clinical testing. Allele origin: germline.
Comment: The p.K1114M variant (also known as c.3341A>T), located in coding exon 22 of the ATM gene, results from an A to T substitution at nucleotide position 3341. The lysine at codon 1114 is replaced by methionine, an amino acid with similar properties. This amino acid position is not well conserved in available vertebrate species. In addition, this alteration is predicted to be tolerated by in silico analysis. Based on the available evidence, the clinical significance of this variant remains unclear.

GeneDx
Classification: Uncertain significance. Last evaluated: 2024-06-27. Review status: criteria provided, single submitter. Criteria: GeneDx Variant Classification Process June 2021. Collection method: clinical testing. Allele origin: germline. Affected: yes.
Comment: Not observed at significant frequency in large population cohorts (gnomAD); In silico analysis supports that this missense variant has a deleterious effect on protein structure/function; Has not been previously published as pathogenic or benign to our knowledge; This variant is associated with the following publications: (PMID: 19781682, 33471991)

Baylor Genetics
Classification: Uncertain significance for Familial cancer of breast. Last evaluated: 2023-09-13. Review status: criteria provided, single submitter. Criteria: ACMG Guidelines, 2015. Collection method: clinical testing. Allele origin: unknown.